The following is an entry in ClinVar:

ClinVar aggregate classification (germline): Uncertain significance (1 of 4 stars; one submission).

Submission:

GeneDx
Classification: Uncertain significance. Last evaluated: 2024-12-23. Review status: criteria provided, single submitter. Criteria: GeneDx Variant Classification Process June 2021. Collection method: clinical testing. Allele origin: germline. Affected: yes.
Comment: Not observed at significant frequency in large population cohorts (gnomAD); In silico analysis supports that this missense variant has a deleterious effect on protein structure/function; Has not been previously published as pathogenic or benign to our knowledge

NM_203447.4(DOCK8):c.4553G>T (p.Ser1518Ile)

Gene: DOCK8 (dedicator of cytokinesis 8; plus strand). Cytogenetic location: 9p24.3.
Variant type: single nucleotide variant.
Coding change: c.4553G>T on transcript NM_203447.4 (MANE Select); coding-DNA position 4553, G replaced by T.
Protein change: p.Ser1518Ile; replaces serine 1518 with isoleucine.
Molecular consequence: missense variant.
Genome position (GRCh38, 1-based): chr9:429,781, G>T. VCF-style: chr9-429781-G-T. GRCh37 (hg19) VCF-style: chr9-429781-G-T.
Other names: c.4253G>T, p.Ser1418Ile (NM_001190458.2); c.4349G>T, p.Ser1450Ile (NM_001193536.2); short protein forms S1418I, S1450I, S1518I.
Identifiers: ClinVar variation 3906441 (VCV003906441.1).